The following is an entry in ClinVar:

ClinVar aggregate classification (germline): Pathogenic. Review status: criteria provided, multiple submitters, no conflicts (2 of 4 stars). 3 submissions from 3 submitters: Pathogenic (3). Last evaluated 2025-04-22.

Conditions:
Duchenne muscular dystrophy (DMD). Also called: Duchenne Muscular Dystrophy (DMD); MUSCULAR DYSTROPHY, PSEUDOHYPERTROPHIC PROGRESSIVE, DUCHENNE TYPE. Identifiers: Orphanet 98896, MedGen C0013264, MONDO:0010679, OMIM 310200.

Submissions (3):

Labcorp Genetics (formerly Invitae), Labcorp
Classification: Pathogenic for Duchenne muscular dystrophy. Last evaluated: 2025-04-22. Review status: criteria provided, single submitter. Criteria: Invitae Variant Classification Sherloc (09022015). Collection method: clinical testing. Allele origin: germline.
Comment: This sequence change creates a premature translational stop signal (p.Trp1249*) in the DMD gene. It is expected to result in an absent or disrupted protein product. Loss-of-function variants in DMD are known to be pathogenic (PMID: 16770791, 25007885). This variant is not present in population databases (gnomAD no frequency). This premature translational stop signal has been observed in individual(s) with Duchenne muscular dystrophy (PMID: 28116794). ClinVar contains an entry for this variant (Variation ID: 287438). For these reasons, this variant has been classified as Pathogenic.

Revvity Omics, Revvity
Classification: Pathogenic. Last evaluated: 2023-05-05. Review status: criteria provided, single submitter. Criteria: ACMG Guidelines, 2015. Collection method: clinical testing. Allele origin: germline.

Eurofins Ntd Llc (ga)
Classification: Pathogenic. Last evaluated: 2016-04-19. Review status: criteria provided, single submitter. Criteria: EGL Classification Definitions 2015. Collection method: clinical testing. Allele origin: germline. Observed: 1 variant allele, 1 hemizygote.

Literature cited by the submitters: PubMed 16770791 (cited by Labcorp Genetics (formerly Invitae), Labcorp); PubMed 25007885 (cited by Labcorp Genetics (formerly Invitae), Labcorp); PubMed 28116794 (cited by Labcorp Genetics (formerly Invitae), Labcorp).

NM_004006.3(DMD):c.3747G>A (p.Trp1249Ter)

Gene: DMD (dystrophin; minus strand). Cytogenetic location: Xp21.1.
Variant type: single nucleotide variant.
Coding change: c.3747G>A on transcript NM_004006.3 (MANE Select); coding-DNA position 3747, G replaced by A.
Protein change: p.Trp1249Ter; replaces tryptophan 1249 with a stop codon.
Molecular consequence: nonsense.
Genome position (GRCh38, 1-based): chrX:32,448,495, C>T on the plus strand (G>A on the coding strand, the complement: DMD is on the minus strand). VCF-style: chrX-32448495-C-T. GRCh37 (hg19) VCF-style: chrX-32466612-C-T.
Other names: c.3723G>A, p.Trp1241Ter (NM_000109.4); c.3735G>A, p.Trp1245Ter (NM_004009.3); c.3378G>A, p.Trp1126Ter (NM_004010.3); short protein forms W1249*, W1126*, W1245*, W1241*.
Identifiers: ClinVar variation 287438 (VCV000287438.9), dbSNP rs886043635, ClinGen allele CA10605765.